The following is an entry in ClinVar:

NM_001793.6(CDH3):c.1648C>T (p.Pro550Ser)

Gene: CDH3 (cadherin 3; plus strand). Cytogenetic location: 16q22.1.
Variant type: single nucleotide variant.
Coding change: c.1648C>T on transcript NM_001793.6 (MANE Select); coding-DNA position 1648, C replaced by T.
Protein change: p.Pro550Ser; replaces proline 550 with serine.
Molecular consequence: missense variant.
Genome position (GRCh38, 1-based): chr16:68,687,589, C>T. VCF-style: chr16-68687589-C-T. GRCh37 (hg19) VCF-style: chr16-68721492-C-T.
Other names: c.1648C>T (NM_001793.4); c.1648C>T, p.Pro550Ser (NM_001317195.3); c.1483C>T, p.Pro495Ser (NM_001317196.2); short protein forms P550S, P495S.
Identifiers: ClinVar variation 961917 (VCV000961917.11), dbSNP rs748818005, ClinGen allele CA8129432.

ClinVar aggregate classification (germline): Uncertain significance. Review status: criteria provided, multiple submitters, no conflicts (2 of 4 stars). 3 submissions from 3 submitters: Uncertain significance (3). Last evaluated 2026-01-14.

Conditions:
Inborn genetic diseases. Identifiers: MedGen C0950123, MeSH D030342.

Allele frequency attached by ClinVar (database versions not stated): ExAC 0.00002; gnomAD 0.00003 and 0.00004; TOPMed 0.00003.
gnomAD v4.1: 56 of 1,613,984 alleles (0.0035%); highest among the groups gnomAD compares: Non-Finnish European, 0.0035%; no homozygotes.

Submissions (3):

Ambry Genetics
Classification: Uncertain significance for Inborn genetic diseases. Last evaluated: 2026-01-14. Review status: criteria provided, single submitter. Criteria: Ambry Variant Classification Scheme 2023. Collection method: clinical testing. Allele origin: germline.

Blueprint Genetics
Classification: Uncertain significance. Last evaluated: 2024-09-09. Review status: criteria provided, single submitter. Criteria: ACMG Guidelines, 2015. Collection method: clinical testing. Allele origin: germline.

Labcorp Genetics (formerly Invitae), Labcorp
Classification: Uncertain significance. Last evaluated: 2022-10-13. Review status: criteria provided, single submitter. Criteria: Invitae Variant Classification Sherloc (09022015). Collection method: clinical testing. Allele origin: germline.
Comment: This sequence change replaces proline, which is neutral and non-polar, with serine, which is neutral and polar, at codon 550 of the CDH3 protein (p.Pro550Ser). This variant is present in population databases (rs748818005, gnomAD 0.02%). This variant has not been reported in the literature in individuals affected with CDH3-related conditions. ClinVar contains an entry for this variant (Variation ID: 961917). Advanced modeling of protein sequence and biophysical properties (such as structural, functional, and spatial information, amino acid conservation, physicochemical variation, residue mobility, and thermodynamic stability) performed at Invitae indicates that this missense variant is not expected to disrupt CDH3 protein function. In summary, the available evidence is currently insufficient to determine the role of this variant in disease. Therefore, it has been classified as a Variant of Uncertain Significance.